The following is an entry in ClinVar:

ClinVar aggregate classification (germline): Uncertain significance (1 of 4 stars; one submission).

Conditions:
Malignant hyperthermia, susceptibility to, 5 (MHS5). Also called: CACNA1S-Related Malignant Hyperthermia Susceptibility. Identifiers: Orphanet 423, MedGen C1866077, MONDO:0011163, OMIM 601887.

gnomAD v4.1: 10 of 1,613,156 alleles (0.00062%); highest among the groups gnomAD compares: Middle Eastern, 0.016%; no homozygotes.

Submission:

Color Diagnostics, LLC DBA Color Health
Classification: Uncertain significance for Malignant hyperthermia, susceptibility to, 5. Last evaluated: 2023-11-22. Review status: criteria provided, single submitter. Criteria: ACMG Guidelines, 2015. Collection method: clinical testing. Allele origin: germline.
Comment: This missense variant replaces leucine with isoleucine at codon 363 of the CACNA1S protein. Computational prediction is inconclusive regarding the impact of this variant on protein structure and function. To our knowledge, functional studies have not been reported for this variant. This variant has not been reported in individuals affected with CACNA1S-related disorders in the literature. This variant has been identified in 2/251494 chromosomes in the general population by the Genome Aggregation Database (gnomAD). The available evidence is insufficient to determine the role of this variant in disease conclusively. Therefore, this variant is classified as a Variant of Uncertain Significance.

NM_000069.3(CACNA1S):c.1087C>A (p.Leu363Ile)

Gene: CACNA1S (calcium voltage-gated channel subunit alpha1 S; minus strand). Cytogenetic location: 1q32.1.
Variant type: single nucleotide variant.
Coding change: c.1087C>A on transcript NM_000069.3 (MANE Select); coding-DNA position 1087, C replaced by A.
Protein change: p.Leu363Ile; replaces leucine 363 with isoleucine.
Molecular consequence: missense variant.
Genome position (GRCh38, 1-based): chr1:201,085,499, G>T on the plus strand (C>A on the coding strand, the complement: CACNA1S is on the minus strand). VCF-style: chr1-201085499-G-T. GRCh37 (hg19) VCF-style: chr1-201054627-G-T.
Other names: short protein forms L363I.
Identifiers: ClinVar variation 4758467 (VCV004758467.1).